The following is an entry in ClinVar:

ClinVar aggregate classification (germline): Likely benign. Review status: criteria provided, multiple submitters, no conflicts (2 of 4 stars). 2 submissions from 2 submitters: Likely benign (2). Last evaluated 2026-06-01.

gnomAD v4.1: 71 of 1,545,736 alleles (0.0046%); highest among the groups gnomAD compares: Admixed American, 0.065%; no homozygotes.

Submissions (2):

CeGaT Center for Human Genetics Tuebingen
Classification: Likely benign. Last evaluated: 2026-06-01. Review status: criteria provided, single submitter. Criteria: CeGaT Center For Human Genetics Tuebingen Variant Classification Criteria Version 2. Collection method: clinical testing. Allele origin: germline. Affected: yes. Observed: 1 variant allele.
Comment: ATN1: BP4, BP7

Blueprint Genetics
Classification: Likely benign. Last evaluated: 2023-12-04. Review status: criteria provided, single submitter. Criteria: ACMG Guidelines, 2015. Collection method: clinical testing. Allele origin: germline.

NM_001940.4(ATN1):c.2475A>G (p.Lys825=)

Gene: ATN1 (atrophin 1; plus strand). Cytogenetic location: 12p13.31.
Variant type: single nucleotide variant.
Coding change: c.2475A>G on transcript NM_001940.4 (MANE Select); coding-DNA position 2475, A replaced by G.
Protein change: p.Lys825=; no amino-acid change (lysine 825 retained).
Molecular consequence: synonymous variant.
Genome position (GRCh38, 1-based): chr12:6,938,025, A>G. VCF-style: chr12-6938025-A-G. GRCh37 (hg19) VCF-style: chr12-7047188-A-G.
Other names: c.2475A>G, p.Lys825= (NM_001007026.2, NM_001424176.1, NM_001424177.1 and 1 more transcripts); c.2472A>G, p.Lys824= (NM_001424179.1, NM_001424180.1).
Identifiers: ClinVar variation 4872173 (VCV004872173.3).